The following is an entry in ClinVar:

ClinVar aggregate classification (germline): Uncertain significance (1 of 4 stars; one submission).

Conditions:
Cardiovascular phenotype. Identifiers: MedGen CN230736.

Submission:

Ambry Genetics
Classification: Uncertain significance for Cardiovascular phenotype. Last evaluated: 2025-10-27. Review status: criteria provided, single submitter. Criteria: Ambry Variant Classification Scheme 2023. Collection method: clinical testing. Allele origin: germline.
Comment: The p.L1648R variant (also known as c.4943T>G), located in coding exon 19 of the AKAP9 gene, results from a T to G substitution at nucleotide position 4943. The leucine at codon 1648 is replaced by arginine, an amino acid with dissimilar properties. This amino acid position is conserved. In addition, this alteration is predicted to be tolerated by in silico analysis. Based on the available evidence, the clinical significance of this variant remains unclear.

NM_005751.5(AKAP9):c.4943T>G (p.Leu1648Arg)

Genes: AKAP9 (A-kinase anchoring protein 9; plus strand), LOC121175350 (Sharpr-MPRA regulatory region 2641; plus strand). Cytogenetic location: 7q21.2.
Variant type: single nucleotide variant.
Coding change: c.4943T>G on transcript NM_005751.5 (MANE Select); coding-DNA position 4943, T replaced by G.
Protein change: p.Leu1648Arg; replaces leucine 1648 with arginine.
Molecular consequence: missense variant.
Genome position (GRCh38, 1-based): chr7:92,042,071, T>G. VCF-style: chr7-92042071-T-G. GRCh37 (hg19) VCF-style: chr7-91671385-T-G.
Other names: c.4943T>G, p.Leu1648Arg (NM_147185.3); short protein forms L1648R.
Identifiers: ClinVar variation 4613398 (VCV004613398.1).